The following is an entry in ClinVar:

NM_015103.3(PLXND1):c.2034C>T (p.His678=)

Gene: PLXND1 (plexin D1; minus strand). Cytogenetic location: 3q22.1.
Variant type: single nucleotide variant.
Coding change: c.2034C>T on transcript NM_015103.3 (MANE Select); coding-DNA position 2034, C replaced by T.
Protein change: p.His678=; no amino-acid change (histidine 678 retained).
Molecular consequence: synonymous variant.
Genome position (GRCh38, 1-based): chr3:129,584,229, G>A on the plus strand (C>T on the coding strand, the complement: PLXND1 is on the minus strand). VCF-style: chr3-129584229-G-A. GRCh37 (hg19) VCF-style: chr3-129303072-G-A.
Identifiers: ClinVar variation 3056681 (VCV003056681.2), dbSNP rs2285371, ClinGen allele CA2609157.

ClinVar aggregate classification (germline): Benign (0 of 4 stars; one submission).

Conditions:
PLXND1-related disorder. Also called: PLXND1-related condition.

Allele frequency attached by ClinVar (database versions not stated): gnomAD exomes 0.03715; ESP Exome Variant Server 0.04614; gnomAD 0.05125; TOPMed 0.05217; 1000 Genomes Project 30x 0.07448; 1000 Genomes Project 0.07588; ExAC 0.09150.
gnomAD v4.1: 62,369 of 1,597,950 alleles (3.9%); highest among the groups gnomAD compares: East Asian, 12%; 1,861 homozygotes.

Submission:

PreventionGenetics, part of Exact Sciences
Classification: Benign for PLXND1-related condition. Last evaluated: 2019-09-24. Review status: no assertion criteria provided. Collection method: clinical testing. Allele origin: germline.
Comment: This variant is classified as benign based on ACMG/AMP sequence variant interpretation guidelines (Richards et al. 2015 PMID: 25741868, with internal and published modifications).